The following is an entry in ClinVar:

ClinVar aggregate classification (germline): Pathogenic (1 of 4 stars; one submission).

Conditions:
Spermatogenic failure 18. Identifiers: MedGen C4539783, MONDO:0054615, OMIM 617576.
Ciliary dyskinesia, primary, 37 (CILD37). Also called: CILIARY DYSKINESIA, PRIMARY, 37, WITH OR WITHOUT SITUS INVERSUS. Identifiers: MedGen C4539798, MONDO:0033204, OMIM 617577.

Submission:

Labcorp Genetics (formerly Invitae), Labcorp
Classification: Pathogenic for Ciliary dyskinesia, primary, 37; Spermatogenic failure 18. Last evaluated: 2025-11-06. Review status: criteria provided, single submitter. Criteria: Invitae Variant Classification Sherloc (09022015). Collection method: clinical testing. Allele origin: germline.
Comment: This sequence change creates a premature translational stop signal (p.His2435Thrfs*6) in the DNAH1 gene. It is expected to result in an absent or disrupted protein product. Loss-of-function variants in DNAH1 are known to be pathogenic (PMID: 27573432, 27798045). This variant is not present in population databases (gnomAD no frequency). This variant has not been reported in the literature in individuals affected with DNAH1-related conditions. ClinVar contains an entry for this variant (Variation ID: 3757046). For these reasons, this variant has been classified as Pathogenic.

Literature cited by the submitters: PubMed 27573432; PubMed 27798045.

NM_015512.5(DNAH1):c.7303del (p.His2435fs)

Gene: DNAH1 (dynein axonemal heavy chain 1; plus strand). Cytogenetic location: 3p21.1.
Variant type: Deletion.
Coding change: c.7303del on transcript NM_015512.5 (MANE Select); coding-DNA position 7303, one base deleted (C; older notation c.7303delC).
Protein change: p.His2435fs; shifts the reading frame from histidine 2435.
Molecular consequence: frameshift variant.
Genome position (GRCh38, 1-based): chr3:52,378,706, C deleted; the last of 3 consecutive C bases (chr3:52,378,704-52,378,706); deleting any one gives the same sequence. VCF-style (leftmost placement, unchanged base first): chr3-52378703-TC-T. GRCh37 (hg19) VCF-style: chr3-52412719-TC-T.
Other names: short protein forms H2435fs.
Identifiers: ClinVar variation 3757046 (VCV003757046.2).
Genomic context (GRCh38, chr3:52,378,703, plus strand): 5'-GAAGCCACCATCATGGTGTATGCAACCATCACCTCCCAGCTGCTGCCCACTCCAGCCAAG[TC>T]CCACTACACCTTCAACCTGAGGGACCTCTCCAAGGTCTTCCAAGGCATGCTCATGGCTGA-3'